The following is an entry in ClinVar:

NM_020928.2(ZSWIM6):c.463T>G (p.Ser155Ala)

Gene: ZSWIM6 (zinc finger SWIM-type containing 6; plus strand). Cytogenetic location: 5q12.1.
Variant type: single nucleotide variant.
Coding change: c.463T>G on transcript NM_020928.2 (MANE Select); coding-DNA position 463, T replaced by G.
Protein change: p.Ser155Ala; replaces serine 155 with alanine.
Molecular consequence: missense variant.
Genome position (GRCh38, 1-based): chr5:61,332,735, T>G. VCF-style: chr5-61332735-T-G. GRCh37 (hg19) VCF-style: chr5-60628562-T-G.
Other names: short protein forms S155A.
Identifiers: ClinVar variation 1471765 (VCV001471765.8), dbSNP rs2112013166, ClinGen allele CA359940766.

ClinVar aggregate classification (germline): Uncertain significance (1 of 4 stars; one submission).

Submission:

Labcorp Genetics (formerly Invitae), Labcorp
Classification: Uncertain significance. Last evaluated: 2023-08-30. Review status: criteria provided, single submitter. Criteria: Invitae Variant Classification Sherloc (09022015). Collection method: clinical testing. Allele origin: germline.
Comment: ClinVar contains an entry for this variant (Variation ID: 1471765). This variant has not been reported in the literature in individuals affected with ZSWIM6-related conditions. The frequency data for this variant in the population databases is considered unreliable, as metrics indicate insufficient coverage at this position in the gnomAD database. This sequence change replaces serine, which is neutral and polar, with alanine, which is neutral and non-polar, at codon 155 of the ZSWIM6 protein (p.Ser155Ala). Experimental studies and prediction algorithms are not available or were not evaluated, and the functional significance of this variant is currently unknown. In summary, the available evidence is currently insufficient to determine the role of this variant in disease. Therefore, it has been classified as a Variant of Uncertain Significance.